The following is an entry in ClinVar:

ClinVar aggregate classification (germline): Uncertain significance. Review status: criteria provided, multiple submitters, no conflicts (2 of 4 stars). 3 submissions from 3 submitters: Uncertain significance (3). Last evaluated 2023-08-01.

Allele frequency attached by ClinVar (database versions not stated): ExAC 0.00004.
gnomAD v4.1: 48 of 1,613,860 alleles (0.003%); highest among the groups gnomAD compares: East Asian, 0.0045%; no homozygotes.

Submissions (3):

CeGaT Center for Human Genetics Tuebingen
Classification: Uncertain significance. Last evaluated: 2023-08-01. Review status: criteria provided, single submitter. Criteria: CeGaT Center For Human Genetics Tuebingen Variant Classification Criteria Version 2. Collection method: clinical testing. Allele origin: germline. Affected: yes. Observed: 1 variant allele.
Comment: KIAA1549: PM2

Blueprint Genetics
Classification: Uncertain significance. Last evaluated: 2023-06-22. Review status: criteria provided, single submitter. Criteria: ACMG Guidelines, 2015. Collection method: clinical testing. Allele origin: germline.

Labcorp Genetics (formerly Invitae), Labcorp
Classification: Uncertain significance. Last evaluated: 2022-04-21. Review status: criteria provided, single submitter. Criteria: Invitae Variant Classification Sherloc (09022015). Collection method: clinical testing. Allele origin: germline.
Comment: In summary, the available evidence is currently insufficient to determine the role of this variant in disease. Therefore, it has been classified as a Variant of Uncertain Significance. Algorithms developed to predict the effect of missense changes on protein structure and function are either unavailable or do not agree on the potential impact of this missense change (SIFT: "Deleterious"; PolyPhen-2: "Probably Damaging"; Align-GVGD: "Class C15"). This sequence change replaces aspartic acid, which is acidic and polar, with asparagine, which is neutral and polar, at codon 1367 of the KIAA1549 protein (p.Asp1367Asn). This variant is present in population databases (rs765115844, gnomAD 0.006%). This variant has not been reported in the literature in individuals affected with KIAA1549-related conditions.

NM_001164665.2(KIAA1549):c.4099G>A (p.Asp1367Asn)

Gene: KIAA1549 (KIAA1549; minus strand). Cytogenetic location: 7q34.
Variant type: single nucleotide variant.
Coding change: c.4099G>A on transcript NM_001164665.2 (MANE Select); coding-DNA position 4099, G replaced by A.
Protein change: p.Asp1367Asn; replaces aspartic acid 1367 with asparagine.
Molecular consequence: missense variant.
Genome position (GRCh38, 1-based): chr7:138,881,518, C>T on the plus strand (G>A on the coding strand, the complement: KIAA1549 is on the minus strand). VCF-style: chr7-138881518-C-T. GRCh37 (hg19) VCF-style: chr7-138566264-C-T.
Other names: c.4099G>A, p.Asp1367Asn (NM_020910.3); short protein forms D1367N.
Identifiers: ClinVar variation 2418448 (VCV002418448.29), dbSNP rs765115844, ClinGen allele CA4506005.